The following is an entry in ClinVar:

ClinVar aggregate classification (germline): Uncertain significance. Review status: criteria provided, multiple submitters, no conflicts (2 of 4 stars). 3 submissions from 3 submitters: Uncertain significance (3). Last evaluated 2026-10-01.

Conditions:
Cardiovascular phenotype. Identifiers: MedGen CN230736.
RASopathy. Also called: Noonan spectrum disorder; rasopathies. Identifiers: Orphanet 536391, MedGen C5555857, MONDO:0021060.
Noonan syndrome 1 (NS1). Also called: PTPN11-Related Noonan Syndrome; FEMALE PSEUDO-TURNER SYNDROME; TURNER PHENOTYPE WITH NORMAL KARYOTYPE. Identifiers: Orphanet 648, MedGen C4551602, MONDO:0008104, OMIM 163950. Disease mechanism: gain of function.

Allele frequency attached by ClinVar (database versions not stated): TOPMed below 0.00001; gnomAD exomes 0.00001.
gnomAD v4.1: 12 of 1,613,098 alleles (0.00074%); highest among the groups gnomAD compares: East Asian, 0.0045%; no homozygotes.

Submissions (3):

St. Jude Molecular Pathology, St. Jude Children's Research Hospital
Classification: Uncertain significance for Noonan syndrome 1. Last evaluated: 2026-10-01. Review status: criteria provided, single submitter. Criteria: St. Jude Assertion Criteria 2020. Collection method: clinical testing. Allele origin: germline.
Comment: The PTPN11 c.1223A>G p.(Gln408Arg) missense change is absent in gnomAD v2.1.1. This variant occurs in a gene where missense variants are a common mechanism of disease. The in sili co tool REVEL is inconclusive about a pathogenic or benign effect of this variant on protein function, and functional studies have not been performed. This variant has not been reported in individuals with RASopathy conditions. In summary, the evidence c urrently available is insufficient to determine the clinical significance of this variant. It has therefore been classified as of uncertain significance.

Labcorp Genetics (formerly Invitae), Labcorp
Classification: Uncertain significance for RASopathy. Last evaluated: 2025-11-11. Review status: criteria provided, single submitter. Criteria: Invitae Variant Classification Sherloc (09022015). Collection method: clinical testing. Allele origin: germline.
Comment: This sequence change replaces glutamine, which is neutral and polar, with arginine, which is basic and polar, at codon 408 of the PTPN11 protein (p.Gln408Arg). This variant is not present in population databases (gnomAD no frequency). This variant has not been reported in the literature in individuals affected with PTPN11-related conditions. ClinVar contains an entry for this variant (Variation ID: 1448513). Invitae Evidence Modeling of protein sequence and biophysical properties (such as structural, functional, and spatial information, amino acid conservation, physicochemical variation, residue mobility, and thermodynamic stability) indicates that this missense variant is not expected to disrupt PTPN11 protein function with a negative predictive value of 95%. In summary, the available evidence is currently insufficient to determine the role of this variant in disease. Therefore, it has been classified as a Variant of Uncertain Significance.

Ambry Genetics
Classification: Uncertain significance for Cardiovascular phenotype. Last evaluated: 2023-12-22. Review status: criteria provided, single submitter. Criteria: Ambry Variant Classification Scheme 2023. Collection method: clinical testing. Allele origin: germline.
Comment: The p.Q408R variant (also known as c.1223A>G), located in coding exon 10 of the PTPN11 gene, results from an A to G substitution at nucleotide position 1223. The glutamine at codon 408 is replaced by arginine, an amino acid with highly similar properties. This amino acid position is conserved. In addition, the in silico prediction for this alteration is inconclusive. Since supporting evidence is limited at this time, the clinical significance of this alteration remains unclear.

NM_002834.5(PTPN11):c.1223A>G (p.Gln408Arg)

Gene: PTPN11 (protein tyrosine phosphatase non-receptor type 11; plus strand). Cytogenetic location: 12q24.13.
Variant type: single nucleotide variant.
Coding change: c.1223A>G on transcript NM_002834.5 (MANE Select); coding-DNA position 1223, A replaced by G.
Protein change: p.Gln408Arg; replaces glutamine 408 with arginine.
Molecular consequence: missense variant.
Genome position (GRCh38, 1-based): chr12:112,482,204, A>G. VCF-style: chr12-112482204-A-G. GRCh37 (hg19) VCF-style: chr12-112920008-A-G.
Other names: c.1223A>G (NM_002834.3, NM_002834.4); c.1223A>G, p.Gln408Arg (NM_080601.3, NM_001330437.2); c.1220A>G, p.Gln407Arg (NM_001374625.1); short protein forms Q407R, Q408R.
Identifiers: ClinVar variation 1448513 (VCV001448513.9), dbSNP rs2038607572, ClinGen allele CA386776098.